The following is an entry in ClinVar:

NM_024334.3(TMEM43):c.702A>T (p.Pro234=)

Gene: TMEM43 (transmembrane protein 43; plus strand). Cytogenetic location: 3p25.1.
Variant type: single nucleotide variant.
Coding change: c.702A>T on transcript NM_024334.3 (MANE Select); coding-DNA position 702, A replaced by T.
Protein change: p.Pro234=; no amino-acid change (proline 234 retained).
Molecular consequence: synonymous variant.
Genome position (GRCh38, 1-based): chr3:14,134,888, A>T. VCF-style: chr3-14134888-A-T. GRCh37 (hg19) VCF-style: chr3-14176388-A-T.
Other names: c.705A>T, p.Pro235= (NM_001407274.1); c.702A>T, p.Pro234= (NM_001407275.1, NM_001407276.1, NM_001407277.1 and 1 more transcripts); c.687A>T, p.Pro229= (NM_001407278.1); c.552A>T, p.Pro184= (NM_001407280.1).
Identifiers: ClinVar variation 3074638 (VCV003074638.1), dbSNP rs2470188201, ClinGen allele CA432551901.

ClinVar aggregate classification (germline): Uncertain significance (1 of 4 stars; one submission).

Conditions:
Arrhythmogenic right ventricular dysplasia 5. Also called: Arrhythmogenic Right Ventricular Dysplasia/Cardiomyopathy 5; ARRHYTHMOGENIC RIGHT VENTRICULAR DYSPLASIA, FAMILIAL, 5. Identifiers: MedGen C1858379, MONDO:0011459, OMIM 604400.

Submission:

All of Us Research Program, National Institutes of Health
Classification: Uncertain significance for Arrhythmogenic right ventricular dysplasia 5. Last evaluated: 2023-11-20. Review status: criteria provided, single submitter. Criteria: ACMG Guidelines, 2015. Collection method: clinical testing. Allele origin: germline. Inheritance: Autosomal dominant inheritance. Observed: 1 variant allele, 1 heterozygote.
Comment: This variant is located in the TMEM43 protein. To our knowledge, functional studies have not been reported for this variant. This variant has not been reported in individuals affected with TMEM43-related disorders in the literature. This variant has not been identified in the general population by the Genome Aggregation Database (gnomAD). The available evidence is insufficient to determine the role of this variant in disease conclusively. Therefore, this variant is classified as a Variant of Uncertain Significance.

This study involves interpretation of variants in research participants for the purpose of population health screening. Participant phenotype was not available at the time of variant classification. Additional details can be found in publication PMID: 35346344, PMCID: PMC8962531